The following is an entry in ClinVar:

NM_000069.3(CACNA1S):c.2467C>T (p.Arg823Trp)

Gene: CACNA1S (calcium voltage-gated channel subunit alpha1 S; minus strand). Cytogenetic location: 1q32.1.
Variant type: single nucleotide variant.
Coding change: c.2467C>T on transcript NM_000069.3 (MANE Select); coding-DNA position 2467, C replaced by T.
Protein change: p.Arg823Trp; replaces arginine 823 with tryptophan.
Molecular consequence: missense variant.
Genome position (GRCh38, 1-based): chr1:201,069,495, G>A on the plus strand (C>T on the coding strand, the complement: CACNA1S is on the minus strand). VCF-style: chr1-201069495-G-A. GRCh37 (hg19) VCF-style: chr1-201038623-G-A.
Other names: short protein forms R823W.
Identifiers: ClinVar variation 473977 (VCV000473977.15), dbSNP rs199758244, ClinGen allele CA079004.

ClinVar aggregate classification (germline): Conflicting classifications of pathogenicity. Review status: criteria provided, conflicting classifications (1 of 4 stars). 7 submissions from 7 submitters: Uncertain significance (6); Benign (1). Last evaluated 2026-06-27.

Conditions:
Malignant hyperthermia, susceptibility to, 5 (MHS5). Also called: CACNA1S-Related Malignant Hyperthermia Susceptibility. Identifiers: Orphanet 423, MedGen C1866077, MONDO:0011163, OMIM 601887.
Hypokalemic periodic paralysis, type 1. Also called: Hypokalemic Periodic Paralysis Type 1 (AD); HypoPP. Identifiers: Orphanet 681, MedGen C3714580, MONDO:0042979, OMIM 170400.
Thyrotoxic periodic paralysis, susceptibility to, 1 (TTPP1). Identifiers: Orphanet 79102, MedGen C2749982, MONDO:0008570, OMIM 188580.

Allele frequency attached by ClinVar (database versions not stated): gnomAD exomes 0.00004 and 0.00007; gnomAD 0.00008 and 0.00009; TOPMed 0.00008; ExAC 0.00011; 1000 Genomes Project 30x 0.00016; 1000 Genomes Project 0.00020.
gnomAD v4.1: 66 of 1,602,138 alleles (0.0041%); highest among the groups gnomAD compares: Middle Eastern, 0.017%; no homozygotes.

Submissions (7):

GeneDx
Classification: Uncertain significance. Last evaluated: 2026-06-27. Review status: criteria provided, single submitter. Criteria: GeneDx Variant Classification Process June 2021. Collection method: clinical testing. Allele origin: germline.
Comment: In silico analysis supports that this missense variant has a deleterious effect on protein structure/function; Has not been previously published as pathogenic or benign to our knowledge

Labcorp Genetics (formerly Invitae), Labcorp
Classification: Benign for Hypokalemic periodic paralysis, type 1; Malignant hyperthermia, susceptibility to, 5. Last evaluated: 2025-11-06. Review status: criteria provided, single submitter. Criteria: Invitae Variant Classification Sherloc (09022015). Collection method: clinical testing. Allele origin: germline.

Blueprint Genetics
Classification: Uncertain significance. Last evaluated: 2024-10-04. Review status: criteria provided, single submitter. Criteria: ACMG Guidelines, 2015. Collection method: clinical testing. Allele origin: germline.

Color Diagnostics, LLC DBA Color Health
Classification: Uncertain significance for Malignant hyperthermia, susceptibility to, 5. Last evaluated: 2024-05-01. Review status: criteria provided, single submitter. Criteria: ACMG Guidelines, 2015. Collection method: clinical testing. Allele origin: germline.
Comment: This missense variant replaces arginine with tryptophan at codon 823 of the CACNA1S protein. Computational prediction is inconclusive regarding the impact of this variant on protein structure and function . To our knowledge, functional studies have not been reported for this variant. This variant has not been reported in individuals affected with CACNA1S-related disorders in the literature. This variant has been identified in 17/256842 chromosomes in the general population by the Genome Aggregation Database (gnomAD). The available evidence is insufficient to determine the role of this variant in disease conclusively. Therefore, this variant is classified as a Variant of Uncertain Significance.

All of Us Research Program, National Institutes of Health
Classification: Uncertain significance for Malignant hyperthermia, susceptibility to, 5. Last evaluated: 2023-11-30. Review status: criteria provided, single submitter. Criteria: ACMG Guidelines, 2015. Collection method: clinical testing. Allele origin: germline. Inheritance: Autosomal dominant inheritance. Observed: 15 variant alleles, 15 heterozygotes.
Comment: This missense variant replaces arginine with tryptophan at codon 823 of the CACNA1S protein. Computational prediction is inconclusive regarding the impact of this variant on protein structure and function (internally defined REVEL score threshold 0.5 < inconclusive < 0.7, PMID: 27666373). To our knowledge, functional studies have not been reported for this variant. This variant has not been reported in individuals affected with CACNA1S-related disorders in the literature. This variant has been identified in 17/256842 chromosomes in the general population by the Genome Aggregation Database (gnomAD). The available evidence is insufficient to determine the role of this variant in disease conclusively. Therefore, this variant is classified as a Variant of Uncertain Significance.

This study involves interpretation of variants in research participants for the purpose of population health screening. Participant phenotype was not available at the time of variant classification. Additional details can be found in publication PMID: 35346344, PMCID: PMC8962531

Fulgent Genetics
Classification: Uncertain significance for Hypokalemic periodic paralysis, type 1; Thyrotoxic periodic paralysis, susceptibility to, 1; Malignant hyperthermia, susceptibility to, 5. Last evaluated: 2021-07-19. Review status: criteria provided, single submitter. Criteria: ACMG Guidelines, 2015. Collection method: clinical testing. Allele origin: unknown.

Breakthrough Genomics
Classification: Uncertain significance. Review status: criteria provided, single submitter. Criteria: ACMG Guidelines, 2015. Collection method: not provided. Allele origin: germline. Inheritance: Autosomal dominant inheritance. Affected: yes.